The following is an entry in ClinVar:

ClinVar aggregate classification (germline): Uncertain significance. Review status: criteria provided, multiple submitters, no conflicts (2 of 4 stars). 3 submissions from 3 submitters: Uncertain significance (2). 1 of the submissions does not count toward it. Last evaluated 2022-08-19.

Conditions:
Autosomal recessive retinitis pigmentosa. Identifiers: MedGen C0339526.

gnomAD v4.1: 15 of 1,545,038 alleles (0.00097%); highest among the groups gnomAD compares: South Asian, 0.0012%; no homozygotes.

Submissions (3):

Labcorp Genetics (formerly Invitae), Labcorp
Classification: Uncertain significance. Last evaluated: 2022-08-19. Review status: criteria provided, single submitter. Criteria: Invitae Variant Classification Sherloc (09022015). Collection method: clinical testing. Allele origin: germline.
Comment: This sequence change replaces arginine, which is basic and polar, with serine, which is neutral and polar, at codon 913 of the EYS protein (p.Arg913Ser). This variant is not present in population databases (gnomAD no frequency). This variant has not been reported in the literature in individuals affected with EYS-related conditions. ClinVar contains an entry for this variant (Variation ID: 961666). Algorithms developed to predict the effect of missense changes on protein structure and function (SIFT, PolyPhen-2, Align-GVGD) all suggest that this variant is likely to be disruptive. Algorithms developed to predict the effect of sequence changes on RNA splicing suggest that this variant may create or strengthen a splice site. In summary, the available evidence is currently insufficient to determine the role of this variant in disease. Therefore, it has been classified as a Variant of Uncertain Significance.

Blueprint Genetics
Classification: Uncertain significance. Last evaluated: 2021-04-21. Review status: criteria provided, single submitter. Criteria: ACMG Guidelines, 2015. Collection method: clinical testing. Allele origin: germline.

Natera, Inc.
Classification: Uncertain significance for Autosomal recessive retinitis pigmentosa. Last evaluated: 2020-11-06. Review status: no assertion criteria provided. Collection method: clinical testing. Allele origin: germline. Not counted in ClinVar's aggregate classification.

NM_001142800.2(EYS):c.2739G>T (p.Arg913Ser)

Gene: EYS (EGF-like photoreceptor maintenance factor; minus strand). Cytogenetic location: 6q12.
Variant type: single nucleotide variant.
Coding change: c.2739G>T on transcript NM_001142800.2 (MANE Select); coding-DNA position 2739, G replaced by T.
Protein change: p.Arg913Ser; replaces arginine 913 with serine.
Molecular consequence: missense variant.
Genome position (GRCh38, 1-based): chr6:64,902,220, C>A on the plus strand (G>T on the coding strand, the complement: EYS is on the minus strand). VCF-style: chr6-64902220-C-A. GRCh37 (hg19) VCF-style: chr6-65612113-C-A.
Other names: c.2739G>T, p.Arg913Ser (NM_001292009.2); short protein forms R913S.
Identifiers: ClinVar variation 961666 (VCV000961666.9), dbSNP rs77020971, ClinGen allele CA364785794.
Genomic context (GRCh38, chr6:64,902,220, plus strand): 5'-GGAACATTCATTAATTTCAATTTCACACAGAGATCCAGAAAACCCAGGTCTGCAAATACA[C>A]CTTTTAAACAAAAAATTTAGTAACTCCATTAGTATATATGTATAAAATCAATGCTTCAAC-3'
Protein context (NP_001136272.1, residues 903-923): GDCEDMVNNF[Arg913Ser]CICRPGFSGS